The following is an entry in ClinVar:

NM_144508.5(KNL1):c.4619G>A (p.Gly1540Glu)

Gene: KNL1 (kinetochore scaffold 1; plus strand). Cytogenetic location: 15q15.1.
Variant type: single nucleotide variant.
Coding change: c.4619G>A on transcript NM_144508.5 (MANE Select); coding-DNA position 4619, G replaced by A.
Protein change: p.Gly1540Glu; replaces glycine 1540 with glutamic acid.
Molecular consequence: missense variant.
Genome position (GRCh38, 1-based): chr15:40,624,883, G>A. VCF-style: chr15-40624883-G-A. GRCh37 (hg19) VCF-style: chr15-40917081-G-A.
Other names: c.4697G>A, p.Gly1566Glu (NM_170589.5); short protein forms G1540E, G1566E.
Identifiers: ClinVar variation 315864 (VCV000315864.14), dbSNP rs183316447, ClinGen allele CA7483210.

ClinVar aggregate classification (germline): Conflicting classifications of pathogenicity. Review status: criteria provided, conflicting classifications (1 of 4 stars). 4 submissions from 4 submitters: Uncertain significance (1); Benign (1); Likely benign (2). Last evaluated 2026-03-01.

Conditions:
Microcephaly 4, primary, autosomal recessive. Identifiers: Orphanet 2512, MedGen C1858516, MONDO:0011437, OMIM 604321.
KNL1-related disorder. Also called: KNL1-related condition.

Allele frequency attached by ClinVar (database versions not stated): ESP Exome Variant Server 0.00008; TOPMed 0.00017; 1000 Genomes Project 30x 0.00047; 1000 Genomes Project 0.00060; gnomAD exomes 0.00139 and 0.00309; gnomAD 0.00229 and 0.00240; ExAC 0.00292.
gnomAD v4.1: 2,386 of 1,612,506 alleles (0.15%); highest among the groups gnomAD compares: South Asian, 0.11%; 26 homozygotes.

Submissions (4):

CeGaT Center for Human Genetics Tuebingen
Classification: Likely benign. Last evaluated: 2026-03-01. Review status: criteria provided, single submitter. Criteria: CeGaT Center For Human Genetics Tuebingen Variant Classification Criteria Version 2. Collection method: clinical testing. Allele origin: germline. Affected: yes. Observed: 1 variant allele.
Comment: KNL1: BP4, BS2

PreventionGenetics, part of Exact Sciences
Classification: Likely benign for KNL1-related condition. Last evaluated: 2024-11-19. Review status: criteria provided, single submitter. Criteria: ACMG Guidelines, 2015. Collection method: clinical testing. Allele origin: germline.
Comment: This variant is classified as likely benign based on ACMG/AMP sequence variant interpretation guidelines (Richards et al. 2015 PMID: 25741868, with internal and published modifications).

Labcorp Genetics (formerly Invitae), Labcorp
Classification: Benign. Last evaluated: 2019-12-31. Review status: criteria provided, single submitter. Criteria: Invitae Variant Classification Sherloc (09022015). Collection method: clinical testing. Allele origin: germline.

Illumina Laboratory Services, Illumina
Classification: Uncertain significance for Microcephaly 4, primary, autosomal recessive. Last evaluated: 2018-01-12. Review status: criteria provided, single submitter. Criteria: ICSL Variant Classification Criteria 13 December 2019. Collection method: clinical testing. Allele origin: germline.